The following is an entry in ClinVar:

ClinVar aggregate classification (germline): Pathogenic/Likely pathogenic. Review status: criteria provided, multiple submitters, no conflicts (2 of 4 stars). 3 submissions from 3 submitters: Pathogenic (1); Likely pathogenic (1). 1 of the submissions does not count toward it. Last evaluated 2024-05-31.

Conditions:
Thrombophilia due to protein C deficiency, autosomal recessive. Also called: PROC DEFICIENCY, AUTOSOMAL RECESSIVE; PROTEIN C DEFICIENCY, AUTOSOMAL RECESSIVE. Identifiers: Orphanet 745, MedGen C2676759, MONDO:0012860, OMIM 612304.
PROC-related disorder. Also called: PROC-related condition.

Submissions (3):

Mayo Clinic Laboratories, Mayo Clinic
Classification: Likely pathogenic. Last evaluated: 2024-05-31. Review status: criteria provided, single submitter. Criteria: ACMG Guidelines, 2015. Collection method: clinical testing. Allele origin: germline. Observed: 1 variant allele.
Comment: PP1_moderate, PP3, PM1, PM2_moderate, PS3_moderate, PS4_moderate

PreventionGenetics, part of Exact Sciences
Classification: Pathogenic for PROC-related condition. Last evaluated: 2023-10-12. Review status: criteria provided, single submitter. Criteria: ACMG Guidelines, 2015. Collection method: clinical testing. Allele origin: germline.
Comment: The PROC c.185A>C variant is predicted to result in the amino acid substitution p.Glu62Ala. This variant, also referred to a p.Glu20Ala using legacy nomenclature, was shown to segregate in multigeneration family with protein C deficiency who also carried another missense change p.Val76Met (referred to as p.Val34Met in the paper). These two variants together were referred to as Protein C Vermont (Bovill EG et al 1992. PubMed ID: 1347706). Another missense change at the same amino acid postion, c.184G>A (p.Glu62Lys) has previously been reported to be causative for protein C deficiency (Alhenc-Gelas et al 2020. PubMed ID: 32717757). This variant has not been reported in a large population database, indicating this variant is rare. This variant is interpreted as pathogenic.

OMIM
Classification: Pathogenic for THROMBOPHILIA DUE TO PROTEIN C DEFICIENCY, AUTOSOMAL RECESSIVE. Last evaluated: 1992-03-15. Review status: no assertion criteria provided. Collection method: literature only. Allele origin: germline. Not counted in ClinVar's aggregate classification.

Literature cited by the submitters: PubMed 1347706 (cited by Mayo Clinic Laboratories, Mayo Clinic and OMIM).

NM_000312.4(PROC):c.185A>C (p.Glu62Ala)

Gene: PROC (protein C, inactivator of coagulation factors Va and VIIIa; plus strand). Cytogenetic location: 2q14.3.
Variant type: single nucleotide variant.
Coding change: c.185A>C on transcript NM_000312.4 (MANE Select); coding-DNA position 185, A replaced by C.
Protein change: p.Glu62Ala; replaces glutamic acid 62 with alanine.
Molecular consequence: missense variant.
Genome position (GRCh38, 1-based): chr2:127,421,397, A>C. VCF-style: chr2-127421397-A-C. GRCh37 (hg19) VCF-style: chr2-128178973-A-C.
Other names: E20A; c.368A>C, p.Glu123Ala (NM_001375602.1); c.248A>C, p.Glu83Ala (NM_001375603.1, NM_001375604.1, NM_001375606.1); c.185A>C, p.Glu62Ala (NM_001375605.1, NM_001375608.1, NM_001375611.1 and 1 more transcripts); c.269A>C, p.Glu90Ala (NM_001375607.1); c.161A>C, p.Glu54Ala (NM_001375609.1); c.179A>C, p.Glu60Ala (NM_001375610.1); c.185A>C (NM_000312.3); short protein forms E62A, E123A, E54A, E60A, E83A, E90A.
Identifiers: ClinVar variation 664 (VCV000000664.3), dbSNP rs121918148, ClinGen allele CA114402.